The following is an entry in ClinVar:

ClinVar aggregate classification (germline): Uncertain significance (1 of 4 stars; one submission).

gnomAD v4.1: 8 of 1,546,142 alleles (0.00052%); highest among the groups gnomAD compares: African/African-American, 0.0027%; no homozygotes.

Submission:

GeneDx
Classification: Uncertain significance. Last evaluated: 2023-10-17. Review status: criteria provided, single submitter. Criteria: GeneDx Variant Classification Process June 2021. Collection method: clinical testing. Allele origin: germline. Affected: yes.
Comment: Not observed at significant frequency in large population cohorts (gnomAD); In silico analysis supports that this missense variant has a deleterious effect on protein structure/function; Has not been previously published as pathogenic or benign to our knowledge

NM_001163809.2(WDR81):c.554A>G (p.Tyr185Cys)

Gene: WDR81 (WD repeat domain 81; plus strand). Cytogenetic location: 17p13.3.
Variant type: single nucleotide variant.
Coding change: c.554A>G on transcript NM_001163809.2 (MANE Select); coding-DNA position 554, A replaced by G.
Protein change: p.Tyr185Cys; replaces tyrosine 185 with cysteine.
Molecular consequence: missense variant. On other transcripts: intron variant (3).
Genome position (GRCh38, 1-based): chr17:1,725,513, A>G. VCF-style: chr17-1725513-A-G. GRCh37 (hg19) VCF-style: chr17-1628807-A-G.
Other names: c.-123-2477A>G (NM_152348.4); c.59-4867A>G (NM_001163673.2); c.-15+727A>G (NM_001163811.2); short protein forms Y185C.
Identifiers: ClinVar variation 3366210 (VCV003366210.1).